The following is an entry in ClinVar:

ClinVar aggregate classification (germline): Pathogenic. Review status: criteria provided, multiple submitters, no conflicts (2 of 4 stars). 2 submissions from 2 submitters: Pathogenic (2). Last evaluated 2023-09-21.

Conditions:
Cone-rod dystrophy 6 (CORD6). Also called: Cone dystrophy progressive; RETINAL CONE DYSTROPHY 2. Identifiers: Orphanet 1872, MedGen C1866293, MONDO:0011143, OMIM 601777.
Leber congenital amaurosis 1 (LCA1). Also called: Congenital absence of the rods and cones; Leber's congenital tapetoretinal degeneration; Leber's congenital tapetoretinal dysplasia; AMAUROSIS CONGENITA OF LEBER I; RETINAL BLINDNESS, CONGENITAL. Identifiers: Orphanet 65, MedGen C2931258, MONDO:0008764, OMIM 204000.
GUCY2D-related disorders.

Submissions (2):

Labcorp Genetics (formerly Invitae), Labcorp
Classification: Pathogenic for Leber congenital amaurosis 1; Cone-rod dystrophy 6. Last evaluated: 2023-09-21. Review status: criteria provided, single submitter. Criteria: Invitae Variant Classification Sherloc (09022015). Collection method: clinical testing. Allele origin: germline.
Comment: For these reasons, this variant has been classified as Pathogenic. ClinVar contains an entry for this variant (Variation ID: 1454622). This variant is also known as 174delC. This premature translational stop signal has been observed in individual(s) with autosomal recessive Leber congenital amaurosis (PMID: 31630094). This variant is not present in population databases (gnomAD no frequency). This sequence change creates a premature translational stop signal (p.Leu59Trpfs*26) in the GUCY2D gene. It is expected to result in an absent or disrupted protein product. Loss-of-function variants in GUCY2D are known to be pathogenic (PMID: 10951519, 11328726).

Blueprint Genetics
Classification: Pathogenic for GUCY2D-related disorders. Last evaluated: 2020-09-30. Review status: criteria provided, single submitter. Criteria: ACMG Guidelines, 2015. Collection method: clinical testing. Allele origin: germline. Affected: yes. Observed: 1 variant allele.

Literature cited by the submitters: PubMed 31630094 (cited by Labcorp Genetics (formerly Invitae), Labcorp); PubMed 10951519 (cited by Labcorp Genetics (formerly Invitae), Labcorp); PubMed 11328726 (cited by Labcorp Genetics (formerly Invitae), Labcorp).

NM_000180.4(GUCY2D):c.175del (p.Leu59fs)

Gene: GUCY2D (guanylate cyclase 2D, retinal; plus strand). Cytogenetic location: 17p13.1.
Variant type: Deletion.
Coding change: c.175del on transcript NM_000180.4 (MANE Select); coding-DNA position 175, one base deleted (C; older notation c.175delC).
Protein change: p.Leu59fs; shifts the reading frame from leucine 59.
Molecular consequence: frameshift variant.
Genome position (GRCh38, 1-based): chr17:8,003,222, C deleted; the last of 2 consecutive C bases (chr17:8,003,221-8,003,222); deleting either gives the same sequence. VCF-style (leftmost placement, unchanged base first): chr17-8003220-TC-T. GRCh37 (hg19) VCF-style: chr17-7906538-TC-T.
Other names: short protein forms L59fs.
Identifiers: ClinVar variation 1454622 (VCV001454622.7), dbSNP rs2151799287, ClinGen allele CA2573154501.